The following is an entry in ClinVar:

ClinVar aggregate classification (germline): Uncertain significance (1 of 4 stars; one submission).

Conditions:
Microcephaly-intellectual disability-sensorineural hearing loss-epilepsy-abnormal muscle tone syndrome (NEDHSB). Also called: NEURODEVELOPMENTAL DISORDER WITH HEARING LOSS, SEIZURES, AND BRAIN ABNORMALITIES. Identifiers: Orphanet 457351, MedGen C4225276, MONDO:0014698, OMIM 616577.

Allele frequency attached by ClinVar (database versions not stated): gnomAD 0.00002; TOPMed 0.00002.
gnomAD v4.1: 10 of 1,614,004 alleles (0.00062%); highest among the groups gnomAD compares: African/African-American, 0.0053%; no homozygotes.

Submission:

Labcorp Genetics (formerly Invitae), Labcorp
Classification: Uncertain significance for Microcephaly-intellectual disability-sensorineural hearing loss-epilepsy-abnormal muscle tone syndrome. Last evaluated: 2021-09-19. Review status: criteria provided, single submitter. Criteria: Invitae Variant Classification Sherloc (09022015). Collection method: clinical testing. Allele origin: germline.
Comment: This sequence change replaces arginine with glutamine at codon 194 of the SPATA5 protein (p.Arg194Gln). The arginine residue is weakly conserved and there is a small physicochemical difference between arginine and glutamine. This variant is not present in population databases (ExAC no frequency). This variant has not been reported in the literature in individuals affected with SPATA5-related conditions. Advanced modeling of protein sequence and biophysical properties (such as structural, functional, and spatial information, amino acid conservation, physicochemical variation, residue mobility, and thermodynamic stability) performed at Invitae indicates that this missense variant is not expected to disrupt SPATA5 protein function. In summary, the available evidence is currently insufficient to determine the role of this variant in disease. Therefore, it has been classified as a Variant of Uncertain Significance.

NM_145207.3(AFG2A):c.581G>A (p.Arg194Gln)

Gene: AFG2A (AFG2 AAA ATPase homolog A; plus strand). Cytogenetic location: 4q28.1.
Variant type: single nucleotide variant.
Coding change: c.581G>A on transcript NM_145207.3 (MANE Select); coding-DNA position 581, G replaced by A.
Protein change: p.Arg194Gln; replaces arginine 194 with glutamine.
Molecular consequence: missense variant.
Genome position (GRCh38, 1-based): chr4:122,934,172, G>A. VCF-style: chr4-122934172-G-A. GRCh37 (hg19) VCF-style: chr4-123855327-G-A.
Other names: c.578G>A, p.Arg193Gln (NM_001317799.2, NM_001345856.2); short protein forms R194Q, R193Q.
Identifiers: ClinVar variation 1368503 (VCV001368503.3), dbSNP rs759311477, ClinGen allele CA104812917.